The following is an entry in ClinVar:

ClinVar aggregate classification (germline): Pathogenic. Review status: reviewed by expert panel (3 of 4 stars). 9 submissions from 9 submitters: Pathogenic (1). 8 of the submissions do not count toward it. Last evaluated 2016-09-08.

Conditions:
Hereditary cancer-predisposing syndrome. Also called: Hereditary Cancer Syndrome; Hereditary neoplastic syndrome; Neoplastic Syndromes, Hereditary; Tumor predisposition. Identifiers: Orphanet 140162, MedGen C0027672, MeSH D009386, MONDO:0015356.
Breast-ovarian cancer, familial, susceptibility to, 1 (BROVCA1). Also called: BRCA1 Hereditary Breast and Ovarian Cancer; OVARIAN CANCER, SUSCEPTIBILITY TO. Identifiers: Orphanet 145, MedGen C2676676, MONDO:0011450, OMIM 604370. Disease mechanism: loss of function.

Submissions (9):

Evidence-based Network for the Interpretation of Germline Mutant Alleles (ENIGMA)
Classification: Pathogenic for Breast-ovarian cancer, familial, susceptibility to, 1. Last evaluated: 2016-09-08. Review status: reviewed by expert panel. Criteria: ENIGMA BRCA1/2 Classification Criteria (2015). Collection method: curation. Allele origin: germline.
Comment: Variant allele predicted to encode a truncated non-functional protein.

Color Diagnostics, LLC DBA Color Health
Classification: Pathogenic for Hereditary cancer-predisposing syndrome. Last evaluated: 2025-09-03. Review status: criteria provided, single submitter. Criteria: ACMG Guidelines, 2015. Collection method: clinical testing. Allele origin: germline. Not counted in ClinVar's aggregate classification.
Comment: This variant changes 3 nucleotides in exon 10 of the BRCA1 gene, creating a premature translation stop signal. This variant is expected to result in an absent or non-functional protein product. This variant is also known as 3596delAAAinsC in the literature. To our knowledge, functional studies have not been reported for this variant. This variant has been observed in two individuals affected with ovarian cancer (PMID: 21371001), and it has also been reported in suspected hereditary breast and ovarian cancer families (PMID: 29339979, 29446198). This variant also has been detected in a breast cancer case-control meta-analysis in 1/60466 cases and 0/53461 unaffected individuals (PMID: 33471991Leiden Open Variation Database DB-ID BRCA1_003758). This variant has not been identified in the general population by the Genome Aggregation Database (gnomAD). Loss of BRCA1 function is a known mechanism of disease. Based on the available evidence, this variant is classified as Pathogenic.

Ambry Genetics
Classification: Pathogenic for Hereditary cancer-predisposing syndrome. Last evaluated: 2025-04-21. Review status: criteria provided, single submitter. Criteria: Ambry Variant Classification Scheme 2023. Collection method: clinical testing. Allele origin: germline. Not counted in ClinVar's aggregate classification.
Comment: The c.3477_3479delAAAinsC pathogenic mutation, located in coding exon 9 of the BRCA1 gene, results from the deletion of 3 nucleotides and insertion of one nucleotide causing a translational frameshift with a predicted alternate stop codon (p.K1160Gfs*4). This variant was identified in at least 1 individual(s) from 669 families in a Norwegian HBOC cohort (Heramb C et al. Hered Cancer Clin Pract, 2018 Jan;16:3). This variant is considered to be rare based on population cohorts in the Genome Aggregation Database (gnomAD). This alteration is expected to result in loss of function by premature protein truncation or nonsense-mediated mRNA decay. As such, this alteration is interpreted as a disease-causing mutation.

Department of Clinical Genetics, Copenhagen University Hospital, Rigshospitalet
Classification: Pathogenic for Hereditary cancer-predisposing syndrome. Last evaluated: 2025-03-27. Review status: criteria provided, single submitter. Criteria: ACMG Guidelines, 2015. Collection method: clinical testing. Allele origin: germline. Not counted in ClinVar's aggregate classification.
Comment: The following ACMG criteria has been used: PM2_SUP; PVS1; PM5_PTC_Strong

GeneDx
Classification: Pathogenic. Last evaluated: 2023-01-31. Review status: criteria provided, single submitter. Criteria: GeneDx Variant Classification Process June 2021. Collection method: clinical testing. Allele origin: germline. Affected: yes. Not counted in ClinVar's aggregate classification.
Comment: Frameshift variant predicted to result in protein truncation or nonsense mediated decay in a gene for which loss of function is a known mechanism of disease; Not observed at significant frequency in large population cohorts (gnomAD); Observed in individuals suspected of a hereditary cancer syndrome (Heramb et al., 2018); Truncating variants in this gene are considered pathogenic by a well-established clinical consortium and/or database; Also known as 3596_3598delinsC; This variant is associated with the following publications: (PMID: 21702907, 29339979)

Consortium of Investigators of Modifiers of BRCA1/2 (CIMBA), c/o University of Cambridge
Classification: Pathogenic for Breast-ovarian cancer, familial, susceptibility to, 1. Last evaluated: 2015-10-02. Review status: criteria provided, single submitter. Criteria: CIMBA Mutation Classification guidelines May 2016. Collection method: clinical testing. Allele origin: germline. Not counted in ClinVar's aggregate classification.

Department of Medical Genetics, Oslo University Hospital
Classification: Pathogenic for Breast-ovarian cancer, familial, susceptibility to, 1. Last evaluated: 2015-07-01. Review status: criteria provided, single submitter. Criteria: ACMG Guidelines, 2015. Collection method: clinical testing. Allele origin: germline. Affected: yes. Observed: 2 variant alleles. Not counted in ClinVar's aggregate classification.

Sharing Clinical Reports Project (SCRP)
Classification: Pathogenic for Breast-ovarian cancer, familial 1. Last evaluated: 2012-05-01. Review status: no assertion criteria provided. Collection method: clinical testing. Allele origin: germline. Not counted in ClinVar's aggregate classification.

Breast Cancer Information Core (BIC) (BRCA1)
Classification: Pathogenic for Breast-ovarian cancer, familial 1. Last evaluated: 2002-06-20. Review status: no assertion criteria provided. Collection method: clinical testing. Allele origin: germline. Affected: yes. Observed: 1 variant allele. Not counted in ClinVar's aggregate classification.

Literature cited by the submitters: PubMed 21371001 (cited by Color Diagnostics, LLC DBA Color Health); PubMed 29339979 (cited by Color Diagnostics, LLC DBA Color Health and Ambry Genetics); PubMed 29446198 (cited by Color Diagnostics, LLC DBA Color Health); PubMed 33471991 (cited by Color Diagnostics, LLC DBA Color Health).

NM_007294.4(BRCA1):c.3477_3479delinsC (p.Lys1160fs)

Genes: BRCA1 (BRCA1 DNA repair associated; minus strand), LOC126862571 (BRD4-independent group 4 enhancer GRCh37_chr17:41243136-41244335; plus strand). Cytogenetic location: 17q21.31.
Variant type: Indel.
Coding change: c.3477_3479delinsC on transcript NM_007294.4 (MANE Select); coding-DNA positions 3477 to 3479, AAA replaced by C.
Protein change: p.Lys1160fs; shifts the reading frame from lysine 1160.
Molecular consequence: frameshift variant. On other transcripts: intron variant (135).
Genome position (GRCh38, 1-based): chr17:43,092,052-43,092,054, TTT replaced by G on the plus strand (AAA replaced by C on the coding strand, the reverse complement: BRCA1 is on the minus strand). VCF-style: chr17-43092052-TTT-G. GRCh37 (hg19) VCF-style: chr17-41244069-TTT-G.
Other names: 3596delAAAinsC; 3596del3insC; c.3333_3335delinsC, p.Lys1112fs (NM_001407964.1, NM_001407740.1, NM_001407741.1 and 20 more transcripts); c.2973_2975delinsC, p.Lys992fs (NM_001407965.1); c.2589_2591delinsC, p.Lys864fs (NM_001407966.1, NM_001407967.1); c.873_875delinsC, p.Lys292fs (NM_001407968.1, NM_001407969.1); c.3336_3338delinsC, p.Lys1113fs (NM_007297.4, NM_001407692.1, NM_001407694.1 and 29 more transcripts); c.3477_3479delinsC, p.Lys1160fs (NM_007300.4, NM_001407581.1, NM_001407582.1 and 30 more transcripts); and 43 more; short protein forms K1113fs, K1160fs, K1049fs, K1071fs, K1072fs, K1112fs, K1118fs, K1157fs.
Identifiers: ClinVar variation 54895 (VCV000054895.8), dbSNP rs273899707, ClinGen allele CA002238.